The following is an entry in ClinVar:

NM_000363.5(TNNI3):c.25-1G>A

Gene: TNNI3 (troponin I3, cardiac type; minus strand). Cytogenetic location: 19q13.42.
Variant type: single nucleotide variant.
Coding change: c.25-1G>A on transcript NM_000363.5 (MANE Select); the canonical splice acceptor site of the intron before coding-DNA position 25, G replaced by A.
Molecular consequence: splice acceptor variant.
Genome position (GRCh38, 1-based): chr19:55,157,134, C>T on the plus strand (G>A on the coding strand, the complement: TNNI3 is on the minus strand). VCF-style: chr19-55157134-C-T. GRCh37 (hg19) VCF-style: chr19-55668502-C-T.
Identifiers: ClinVar variation 3074376 (VCV003074376.1), dbSNP rs2515503857, ClinGen allele CA407443283.
Genomic context (GRCh38, chr19:55,157,134, plus strand): 5'-AGCGCGGTAGTTGGAGGAGCGGCGTCTGATTGGGGCTGGTGCAGGGCGAGGTTCCCTAGC[C>T]TGGGTTAGGAGGAGTGGGGACCCCATCACCACCAAGACCCCACCCAGCCCTTACCGTACC-3'

ClinVar aggregate classification (germline): Uncertain significance (1 of 4 stars; one submission).

Conditions:
Hypertrophic cardiomyopathy. Also called: HYPERTROPHIC MYOCARDIOPATHY. Identifiers: Orphanet 217569, MedGen C0007194, MeSH D002312, MONDO:0005045, HP:0001639.

Submission:

All of Us Research Program, National Institutes of Health
Classification: Uncertain significance for Hypertrophic cardiomyopathy. Last evaluated: 2023-11-02. Review status: criteria provided, single submitter. Criteria: ACMG Guidelines, 2015. Collection method: clinical testing. Allele origin: germline. Inheritance: Autosomal dominant inheritance. Observed: 1 variant allele, 1 heterozygote.
Comment: This variant causes a G>A nucleotide substitution at the -1 position of intron 2 of the TNNI3 gene. Splice site prediction tools suggest that this variant may have a significant impact on RNA splicing. To our knowledge, functional studies have not been reported for this variant. This variant has been reported in an individual affected with hypertrophic cardiomyopathy (PMID: 33241513). This variant has not been identified in the general population by the Genome Aggregation Database (gnomAD). Clinical relevance of loss-of-function TNNI3 splice site and truncation variants in autosomal dominant cardiovascular disorders is not clearly established. The available evidence is insufficient to determine the role of this variant in disease conclusively. Therefore, this variant is classified as a Variant of Uncertain Significance.

This study involves interpretation of variants in research participants for the purpose of population health screening. Participant phenotype was not available at the time of variant classification. Additional details can be found in publication PMID: 35346344, PMCID: PMC8962531

Literature cited by the submitters: PubMed 33241513.